The following is an entry in ClinVar:

ClinVar aggregate classification (germline): Conflicting classifications of pathogenicity. Review status: criteria provided, conflicting classifications (1 of 4 stars). 8 submissions from 8 submitters: Uncertain significance (7); Likely benign (1). Last evaluated 2025-06-24.

Conditions:
Inborn genetic diseases. Identifiers: MedGen C0950123, MeSH D030342.
Hyperphosphatasia with impaired intellectual development syndrome 1. Also called: MABRY SYNDROME; GLYCOSYLPHOSPHATIDYLINOSITOL BIOSYNTHESIS DEFECT 2; Hyperphosphatasia with intellectual disability syndrome 1. Identifiers: Orphanet 247262, MedGen C4551502, MONDO:0009398, OMIM 239300.

Allele frequency attached by ClinVar (database versions not stated): gnomAD exomes 0.00004; TOPMed 0.00005; ExAC 0.00005; gnomAD 0.00005; ESP Exome Variant Server 0.00008.
gnomAD v4.1: 73 of 1,614,096 alleles (0.0045%); highest among the groups gnomAD compares: Middle Eastern, 0.26%; no homozygotes.

Submissions (8):

Ambry Genetics
Classification: Uncertain significance for Inborn genetic diseases. Last evaluated: 2025-06-24. Review status: criteria provided, single submitter. Criteria: Ambry Variant Classification Scheme 2023. Collection method: clinical testing. Allele origin: germline.

Blueprint Genetics
Classification: Uncertain significance. Last evaluated: 2024-09-12. Review status: criteria provided, single submitter. Criteria: ACMG Guidelines, 2015. Collection method: clinical testing. Allele origin: germline.

Genomic Medicine Center of Excellence, King Faisal Specialist Hospital and Research Centre
Classification: Uncertain significance for Hyperphosphatasia with impaired intellectual development syndrome 1. Last evaluated: 2024-04-04. Review status: criteria provided, single submitter. Criteria: ACMG Guidelines, 2015. Collection method: clinical testing. Allele origin: germline.

Labcorp Genetics (formerly Invitae), Labcorp
Classification: Uncertain significance. Last evaluated: 2022-08-16. Review status: criteria provided, single submitter. Criteria: Invitae Variant Classification Sherloc (09022015). Collection method: clinical testing. Allele origin: germline.
Comment: This sequence change replaces glutamic acid, which is acidic and polar, with lysine, which is basic and polar, at codon 39 of the PIGV protein (p.Glu39Lys). This variant is present in population databases (rs369275802, gnomAD 0.006%). This variant has not been reported in the literature in individuals affected with PIGV-related conditions. ClinVar contains an entry for this variant (Variation ID: 449659). Algorithms developed to predict the effect of missense changes on protein structure and function are either unavailable or do not agree on the potential impact of this missense change (SIFT: "Deleterious"; PolyPhen-2: "Benign"; Align-GVGD: "Class C15"). In summary, the available evidence is currently insufficient to determine the role of this variant in disease. Therefore, it has been classified as a Variant of Uncertain Significance.

Athena Diagnostics
Classification: Uncertain significance. Last evaluated: 2021-03-19. Review status: criteria provided, single submitter. Criteria: Athena Diagnostics criteria. Collection method: clinical testing. Allele origin: unknown.

Baylor Genetics
Classification: Uncertain significance for Hyperphosphatasia with impaired intellectual development syndrome 1. Last evaluated: 2020-01-27. Review status: criteria provided, single submitter. Criteria: ACMG Guidelines, 2015. Collection method: clinical testing. Allele origin: unknown. Affected: yes.
Comment: This variant was determined to be of uncertain significance according to ACMG Guidelines, 2015 [PMID:25741868].

Fulgent Genetics
Classification: Uncertain significance for Hyperphosphatasia with impaired intellectual development syndrome 1. Last evaluated: 2018-10-31. Review status: criteria provided, single submitter. Criteria: ACMG Guidelines, 2015. Collection method: clinical testing. Allele origin: unknown.

GeneDx
Classification: Likely benign. Last evaluated: 2018-06-22. Review status: criteria provided, single submitter. Criteria: GeneDx Variant Classification Process June 2021. Collection method: clinical testing. Allele origin: germline. Affected: yes.

NM_017837.4(PIGV):c.115G>A (p.Glu39Lys)

Gene: PIGV (phosphatidylinositol glycan anchor biosynthesis class V; plus strand). Cytogenetic location: 1p36.11.
Variant type: single nucleotide variant.
Coding change: c.115G>A on transcript NM_017837.4 (MANE Select); coding-DNA position 115, G replaced by A.
Protein change: p.Glu39Lys; replaces glutamic acid 39 with lysine.
Molecular consequence: missense variant. On other transcripts: non-coding transcript variant (2), intron variant (1), 5 prime UTR variant (1).
Genome position (GRCh38, 1-based): chr1:26,794,149, G>A. VCF-style: chr1-26794149-G-A. GRCh37 (hg19) VCF-style: chr1-27120640-G-A.
Other names: c.115G>A, p.Glu39Lys (NM_001374484.1, NM_001374485.1, NM_001202554.2 and 4 more transcripts); c.78+3256G>A (NM_001374486.1); c.-267G>A (NM_001374483.1); short protein forms E39K.
Identifiers: ClinVar variation 449659 (VCV000449659.15), dbSNP rs369275802, ClinGen allele CA707998.